The following is an entry in ClinVar:

ClinVar aggregate classification (germline): Likely benign (0 of 4 stars; one submission).

Conditions:
MAPK8IP1-related disorder. Also called: MAPK8IP1-related condition.

Allele frequency attached by ClinVar (database versions not stated): ESP Exome Variant Server 0.00008; gnomAD 0.00008; 1000 Genomes Project 0.00020; ExAC 0.00022; 1000 Genomes Project 30x 0.00047.
gnomAD v4.1: 169 of 1,593,456 alleles (0.011%); highest among the groups gnomAD compares: Middle Eastern, 0.066%; no homozygotes.

Submission:

PreventionGenetics, part of Exact Sciences
Classification: Likely benign for MAPK8IP1-related condition. Last evaluated: 2019-12-03. Review status: no assertion criteria provided. Collection method: clinical testing. Allele origin: germline.
Comment: This variant is classified as likely benign based on ACMG/AMP sequence variant interpretation guidelines (Richards et al. 2015 PMID: 25741868, with internal and published modifications).

NM_005456.4(MAPK8IP1):c.1020G>A (p.Ser340=)

Gene: MAPK8IP1 (mitogen-activated protein kinase 8 interacting protein 1; plus strand). Cytogenetic location: 11p11.2.
Variant type: single nucleotide variant.
Coding change: c.1020G>A on transcript NM_005456.4 (MANE Select); coding-DNA position 1020, G replaced by A.
Protein change: p.Ser340=; no amino-acid change (serine 340 retained).
Molecular consequence: synonymous variant.
Genome position (GRCh38, 1-based): chr11:45,902,787, G>A. VCF-style: chr11-45902787-G-A. GRCh37 (hg19) VCF-style: chr11-45924338-G-A.
Identifiers: ClinVar variation 3045870 (VCV003045870.2), dbSNP rs201203236, ClinGen allele CA5959160.